The following is an entry in ClinVar:

ClinVar aggregate classification (germline): Uncertain significance (1 of 4 stars; one submission).

gnomAD v4.1: 1 of 1,613,872 alleles (0.000062%); highest among the groups gnomAD compares: Non-Finnish European, 0.000085%; no homozygotes.

Submission:

Women's Health and Genetics/Laboratory Corporation of America, LabCorp
Classification: Uncertain significance. Last evaluated: 2026-05-15. Review status: criteria provided, single submitter. Criteria: LabCorp Variant Classification Summary - May 2015. Collection method: clinical testing. Allele origin: germline.
Comment: Variant summary: KDM4B c.521C>T (p.Thr174Met) results in a non-conservative amino acid change in the encoded protein sequence. Algorithms developed to predict the effect of missense changes on protein structure and function all suggest that this variant is likely to be disruptive. The frequency data for this variant in gnomAD is considered unreliable, as metrics indicate poor data quality at this position. To our knowledge, no occurrence of c.521C>T in individuals affected with KDM4B-related conditions and no experimental evidence demonstrating its impact on protein function have been reported. No submitters have cited clinical-significance assessments for this variant to ClinVar. Based on the evidence outlined above, the variant was classified as uncertain significance.

NM_015015.3(KDM4B):c.521C>T (p.Thr174Met)

Gene: KDM4B (lysine demethylase 4B; plus strand). Cytogenetic location: 19p13.3.
Variant type: single nucleotide variant.
Coding change: c.521C>T on transcript NM_015015.3 (MANE Select); coding-DNA position 521, C replaced by T.
Protein change: p.Thr174Met; replaces threonine 174 with methionine.
Molecular consequence: missense variant.
Genome position (GRCh38, 1-based): chr19:5,047,564, C>T. VCF-style: chr19-5047564-C-T. GRCh37 (hg19) VCF-style: chr19-5047575-C-T.
Other names: c.521C>T, p.Thr174Met (NM_001370093.1, NM_001370094.1, NM_001411148.1); short protein forms T174M.
Identifiers: ClinVar variation 4853039 (VCV004853039.1).